The following is an entry in ClinVar:

NM_005245.4(FAT1):c.9352G>A (p.Val3118Met)

Gene: FAT1 (FAT atypical cadherin 1; minus strand). Cytogenetic location: 4q35.2.
Variant type: single nucleotide variant.
Coding change: c.9352G>A on transcript NM_005245.4 (MANE Select); coding-DNA position 9352, G replaced by A.
Protein change: p.Val3118Met; replaces valine 3118 with methionine.
Molecular consequence: missense variant.
Genome position (GRCh38, 1-based): chr4:186,613,220, C>T on the plus strand (G>A on the coding strand, the complement: FAT1 is on the minus strand). VCF-style: chr4-186613220-C-T. GRCh37 (hg19) VCF-style: chr4-187534374-C-T.
Other names: short protein forms V3118M.
Identifiers: ClinVar variation 2040860 (VCV002040860.4), dbSNP rs756482497, ClinGen allele CA3165653.

ClinVar aggregate classification (germline): Uncertain significance (1 of 4 stars; one submission).

Allele frequency attached by ClinVar (database versions not stated): gnomAD exomes 0.00001; TOPMed below 0.00001; ExAC 0.00002.
gnomAD v4.1: 5 of 1,613,904 alleles (0.00031%); highest among the groups gnomAD compares: Admixed American, 0.0017%; no homozygotes.

Submission:

Labcorp Genetics (formerly Invitae), Labcorp
Classification: Uncertain significance. Last evaluated: 2022-10-17. Review status: criteria provided, single submitter. Criteria: Invitae Variant Classification Sherloc (09022015). Collection method: clinical testing. Allele origin: germline.
Comment: This sequence change replaces valine, which is neutral and non-polar, with methionine, which is neutral and non-polar, at codon 3118 of the FAT1 protein (p.Val3118Met). In summary, the available evidence is currently insufficient to determine the role of this variant in disease. Therefore, it has been classified as a Variant of Uncertain Significance. Advanced modeling of protein sequence and biophysical properties (such as structural, functional, and spatial information, amino acid conservation, physicochemical variation, residue mobility, and thermodynamic stability) performed at Invitae indicates that this missense variant is not expected to disrupt FAT1 protein function. This variant has not been reported in the literature in individuals affected with FAT1-related conditions. This variant is present in population databases (rs756482497, gnomAD 0.003%).